The following is an entry in ClinVar:

ClinVar aggregate classification (germline): Uncertain significance (1 of 4 stars; one submission).

Allele frequency attached by ClinVar (database versions not stated): gnomAD exomes below 0.00001.
gnomAD v4.1: 2 of 1,612,860 alleles (0.00012%); highest among the groups gnomAD compares: Non-Finnish European, 0.00017%; no homozygotes.

Submission:

Labcorp Genetics (formerly Invitae), Labcorp
Classification: Uncertain significance. Last evaluated: 2024-10-26. Review status: criteria provided, single submitter. Criteria: Invitae Variant Classification Sherloc (09022015). Collection method: clinical testing. Allele origin: germline.
Comment: This sequence change replaces phenylalanine, which is neutral and non-polar, with valine, which is neutral and non-polar, at codon 1077 of the ARHGEF18 protein (p.Phe1077Val). This variant is not present in population databases (gnomAD no frequency). This variant has not been reported in the literature in individuals affected with ARHGEF18-related conditions. ClinVar contains an entry for this variant (Variation ID: 1037734). An algorithm developed to predict the effect of missense changes on protein structure and function (PolyPhen-2) suggests that this variant is likely to be tolerated. In summary, the available evidence is currently insufficient to determine the role of this variant in disease. Therefore, it has been classified as a Variant of Uncertain Significance.

NM_001367823.1(ARHGEF18):c.3793T>G (p.Phe1265Val)

Gene: ARHGEF18 (Rho/Rac guanine nucleotide exchange factor 18; plus strand). Cytogenetic location: 19p13.2.
Variant type: single nucleotide variant.
Coding change: c.3793T>G on transcript NM_001367823.1 (MANE Select); coding-DNA position 3793, T replaced by G.
Protein change: p.Phe1265Val; replaces phenylalanine 1265 with valine.
Molecular consequence: missense variant.
Genome position (GRCh38, 1-based): chr19:7,469,909, T>G. VCF-style: chr19-7469909-T-G. GRCh37 (hg19) VCF-style: chr19-7534795-T-G.
Other names: c.2755T>G, p.Phe919Val (NM_001367824.1, NM_015318.4); c.3067T>G, p.Phe1023Val (NM_001130955.2); short protein forms F1023V, F1265V, F919V.
Identifiers: ClinVar variation 1037734 (VCV001037734.8), dbSNP rs1976911866, ClinGen allele CA403095272.
Genomic context (GRCh38, chr19:7,469,909, plus strand): 5'-CGGGTGGGGACAGCTGGCCAGCCTGGAGCTGGCCCAAATACCTTCTCTCTTCCAGCGTCC[T>G]TCGACCTGAAGCAGCAGCTGCTGCTCAACAAGCTCATGGGGAAAGATGAGAGCACCTCAC-3'
Protein context (NP_001354752.1, residues 1255-1275): GSQRWESSAS[Phe1265Val]DLKQQLLLNK